The following is an entry in ClinVar:

NM_000217.3(KCNA1):c.*2121T>C

Gene: KCNA1 (potassium voltage-gated channel subfamily A member 1; plus strand). Cytogenetic location: 12p13.32.
Variant type: single nucleotide variant.
Coding change: c.*2121T>C on transcript NM_000217.3 (MANE Select); 2121 bases downstream of the stop codon, T replaced by C.
Molecular consequence: 3 prime UTR variant.
Genome position (GRCh38, 1-based): chr12:4,914,987, T>C. VCF-style: chr12-4914987-T-C. GRCh37 (hg19) VCF-style: chr12-5024153-T-C.
Identifiers: ClinVar variation 882417 (VCV000882417.4), dbSNP rs188295490, ClinGen allele CA231857647.
Genomic context (GRCh38, chr12:4,914,987, plus strand): 5'-CCTTATTTTTTTCTCTGTCGGTAACAGCACTTTGCAAATCTCTCTGACGGTCCAGTCTTT[T>C]CAGGCATTGTTGTGGATGTGGGAACACTCAGTTCATAATAACCTTTCCTAGGCCTTCCCT-3'

ClinVar aggregate classification (germline): Benign (1 of 4 stars; one submission).

Conditions:
Episodic ataxia type 1 (EA1). Also called: Episodic ataxia/myokymia syndrome; ATAXIA, EPISODIC, WITH MYOKYMIA; MYOKYMIA WITH PERIODIC ATAXIA; PAROXYSMAL ATAXIA WITH NEUROMYOTONIA, HEREDITARY. Identifiers: Orphanet 37612, Orphanet 972, MedGen C1719788, MONDO:0008047, OMIM 160120.

Allele frequency attached by ClinVar (database versions not stated): gnomAD 0.00168 and 0.00177; TOPMed 0.00198; 1000 Genomes Project 0.00300; 1000 Genomes Project 30x 0.00344.

Submission:

Illumina Laboratory Services, Illumina
Classification: Benign for Episodic ataxia type 1. Last evaluated: 2018-01-13. Review status: criteria provided, single submitter. Criteria: ICSL Variant Classification Criteria 13 December 2019. Collection method: clinical testing. Allele origin: germline.
Comment: This variant was observed in the ICSL laboratory as part of a predisposition screen in an ostensibly healthy population. It had not been previously curated by ICSL or reported in the Human Gene Mutation Database (HGMD: prior to June 1st, 2018), and was therefore a candidate for classification through an automated scoring system. Utilizing variant allele frequency, disease prevalence and penetrance estimates, and inheritance mode, an automated score was calculated to assess if this variant is too frequent to cause the disease. Based on the score and internal cut-off values, a variant classified as benign is not then subjected to further curation. The score for this variant resulted in a classification of benign for this disease.